The following is an entry in ClinVar:

ClinVar aggregate classification (germline): Uncertain significance (1 of 4 stars; one submission).

Conditions:
Frontotemporal dementia and/or amyotrophic lateral sclerosis 6 (FTDALS6). Also called: VCP-Related Amyotrophic Lateral Sclerosis/Frontotemporal Dementia; VCP-Related Amyotrophic Lateral Sclerosis. Identifiers: Orphanet 275872, Orphanet 803, MedGen C5436279, MONDO:0013501, OMIM 613954.
Inclusion body myopathy with Paget disease of bone and frontotemporal dementia. Also called: Inclusion body myopathy with early-onset Paget disease and frontotemporal dementia. Identifiers: Orphanet 52430, MedGen C1833662, MONDO:0000507.

Submission:

Labcorp Genetics (formerly Invitae), Labcorp
Classification: Uncertain significance for Inclusion body myopathy with Paget disease of bone and frontotemporal dementia; Frontotemporal dementia and/or amyotrophic lateral sclerosis 6. Last evaluated: 2022-08-06. Review status: criteria provided, single submitter. Criteria: Invitae Variant Classification Sherloc (09022015). Collection method: clinical testing. Allele origin: germline.
Comment: This variant has not been reported in the literature in individuals affected with VCP-related conditions. Advanced modeling of protein sequence and biophysical properties (such as structural, functional, and spatial information, amino acid conservation, physicochemical variation, residue mobility, and thermodynamic stability) performed at Invitae indicates that this missense variant is not expected to disrupt VCP protein function. Algorithms developed to predict the effect of sequence changes on RNA splicing suggest that this variant may disrupt the consensus splice site. In summary, the available evidence is currently insufficient to determine the role of this variant in disease. Therefore, it has been classified as a Variant of Uncertain Significance. This variant is not present in population databases (gnomAD no frequency). This sequence change replaces alanine, which is neutral and non-polar, with serine, which is neutral and polar, at codon 400 of the VCP protein (p.Ala400Ser).

NM_007126.5(VCP):c.1198G>T (p.Ala400Ser)

Gene: VCP (valosin containing protein; minus strand). Cytogenetic location: 9p13.3.
Variant type: single nucleotide variant.
Coding change: c.1198G>T on transcript NM_007126.5 (MANE Select); coding-DNA position 1198, G replaced by T.
Protein change: p.Ala400Ser; replaces alanine 400 with serine.
Molecular consequence: missense variant.
Genome position (GRCh38, 1-based): chr9:35,061,176, C>A on the plus strand (G>T on the coding strand, the complement: VCP is on the minus strand). VCF-style: chr9-35061176-C-A. GRCh37 (hg19) VCF-style: chr9-35061173-C-A.
Other names: c.1063G>T, p.Ala355Ser (NM_001354927.2, NM_001354928.2); short protein forms A355S, A400S.
Identifiers: ClinVar variation 1715095 (VCV001715095.6), dbSNP rs2490354208, ClinGen allele CA373282790.